The following is an entry in ClinVar:

NM_033225.6(CSMD1):c.984G>A (p.Lys328=)

Gene: CSMD1 (CUB and Sushi multiple domains 1; minus strand). Cytogenetic location: 8p23.2.
Variant type: single nucleotide variant.
Coding change: c.984G>A on transcript NM_033225.6 (MANE Select); coding-DNA position 984, G replaced by A.
Protein change: p.Lys328=; no amino-acid change (lysine 328 retained).
Molecular consequence: synonymous variant.
Genome position (GRCh38, 1-based): chr8:3,708,439, C>T on the plus strand (G>A on the coding strand, the complement: CSMD1 is on the minus strand). VCF-style: chr8-3708439-C-T. GRCh37 (hg19) VCF-style: chr8-3565961-C-T.
Identifiers: ClinVar variation 4822287 (VCV004822287.4).

ClinVar aggregate classification (germline): Likely benign (1 of 4 stars; one submission).

gnomAD v4.1: 221 of 1,613,920 alleles (0.014%); highest among the groups gnomAD compares: Non-Finnish European, 0.017%; no homozygotes.

Submission:

CeGaT Center for Human Genetics Tuebingen
Classification: Likely benign. Last evaluated: 2026-01-01. Review status: criteria provided, single submitter. Criteria: CeGaT Center For Human Genetics Tuebingen Variant Classification Criteria Version 2. Collection method: clinical testing. Allele origin: germline. Affected: yes. Observed: 1 variant allele.
Comment: CSMD1: BP4, BS2